The following is an entry in ClinVar:

NM_002397.5(MEF2C):c.1332C>T (p.His444=)

Genes: MEF2C (myocyte enhancer factor 2C; minus strand), MEF2C-AS2 (MEF2C antisense RNA 2; plus strand). Cytogenetic location: 5q14.3.
Variant type: single nucleotide variant.
Coding change: c.1332C>T on transcript NM_002397.5 (MANE Select); coding-DNA position 1332, C replaced by T.
Protein change: p.His444=; no amino-acid change (histidine 444 retained).
Molecular consequence: synonymous variant. On other transcripts: non-coding transcript variant (1), 3 prime UTR variant (9).
Genome position (GRCh38, 1-based): chr5:88,722,694, G>A on the plus strand (C>T on the coding strand, the complement: MEF2C is on the minus strand). VCF-style: chr5-88722694-G-A. GRCh37 (hg19) VCF-style: chr5-88018511-G-A.
Other names: c.1302C>T, p.His434= (NM_001131005.2); c.1362C>T, p.His454= (NM_001193347.1); c.1164C>T, p.His388= (NM_001193348.1); c.1092C>T, p.His364= (NM_001193349.3, NM_001364332.2); c.1332C>T, p.His444= (NM_001193350.2, NM_001364329.2, NM_001364330.2 and 1 more transcripts); c.1308C>T, p.His436= (NM_001308002.3, NM_001364333.2); c.1236C>T, p.His412= (NM_001363581.2, NM_001364334.2, NM_001364335.2 and 2 more transcripts); c.1266C>T, p.His422= (NM_001364338.2); and 7 more.
Identifiers: ClinVar variation 289845 (VCV000289845.13), dbSNP rs376439815, ClinGen allele CA3337176.

ClinVar aggregate classification (germline): Conflicting classifications of pathogenicity. Review status: criteria provided, conflicting classifications (1 of 4 stars). 3 submissions from 3 submitters: Uncertain significance (1); Benign (1); Likely benign (1). Last evaluated 2023-09-22.

Conditions:
Neurodevelopmental disorder with hypotonia, stereotypic hand movements, and impaired language. Also called: Intellectual disability, autosomal dominant 20. Identifiers: Orphanet 228384, Orphanet 664410, MedGen C3150700, MONDO:0013266, OMIM 613443.

Allele frequency attached by ClinVar (database versions not stated): gnomAD exomes 0.00001 and 0.00002; ExAC 0.00002; TOPMed 0.00002; gnomAD 0.00004; ESP Exome Variant Server 0.00008.
gnomAD v4.1: 36 of 1,613,856 alleles (0.0022%); highest among the groups gnomAD compares: Non-Finnish European, 0.0029%; no homozygotes.

Submissions (3):

Labcorp Genetics (formerly Invitae), Labcorp
Classification: Likely benign for Neurodevelopmental disorder with hypotonia, stereotypic hand movements, and impaired language. Last evaluated: 2023-09-22. Review status: criteria provided, single submitter. Criteria: Invitae Variant Classification Sherloc (09022015). Collection method: clinical testing. Allele origin: germline.

Eurofins Ntd Llc (ga)
Classification: Uncertain significance. Last evaluated: 2016-09-01. Review status: criteria provided, single submitter. Criteria: EGL Classification Definitions 2015. Collection method: clinical testing. Allele origin: germline. Observed: 1 variant allele, 1 heterozygote.

GeneDx
Classification: Benign. Last evaluated: 2015-07-13. Review status: criteria provided, single submitter. Criteria: GeneDx Variant Classification (06012015). Collection method: clinical testing. Allele origin: germline. Affected: yes.
Comment: This variant is considered likely benign or benign based on one or more of the following criteria: it is a conservative change, it occurs at a poorly conserved position in the protein, it is predicted to be benign by multiple in silico algorithms, and/or has population frequency not consistent with disease.